The following is an entry in ClinVar:

ClinVar aggregate classification (germline): Uncertain significance (1 of 4 stars; one submission).

gnomAD v4.1: 1 of 1,613,384 alleles (0.000062%); highest among the groups gnomAD compares: Non-Finnish European, 0.000085%; no homozygotes.

Submission:

Labcorp Genetics (formerly Invitae), Labcorp
Classification: Uncertain significance. Last evaluated: 2024-08-15. Review status: criteria provided, single submitter. Criteria: Invitae Variant Classification Sherloc (09022015). Collection method: clinical testing. Allele origin: germline.
Comment: This sequence change replaces histidine, which is basic and polar, with tyrosine, which is neutral and polar, at codon 53 of the CHRM2 protein (p.His53Tyr). This variant is not present in population databases (gnomAD no frequency). This variant has not been reported in the literature in individuals affected with CHRM2-related conditions. An algorithm developed to predict the effect of missense changes on protein structure and function (PolyPhen-2) suggests that this variant is likely to be disruptive. In summary, the available evidence is currently insufficient to determine the role of this variant in disease. Therefore, it has been classified as a Variant of Uncertain Significance.

NM_001006630.2(CHRM2):c.157C>T (p.His53Tyr)

Genes: CHRM2 (cholinergic receptor muscarinic 2; plus strand), LOC349160 (uncharacterized LOC349160; minus strand). Cytogenetic location: 7q33.
Variant type: single nucleotide variant.
Coding change: c.157C>T on transcript NM_001006630.2 (MANE Select); coding-DNA position 157, C replaced by T.
Protein change: p.His53Tyr; replaces histidine 53 with tyrosine.
Molecular consequence: missense variant.
Genome position (GRCh38, 1-based): chr7:137,015,022, C>T. VCF-style: chr7-137015022-C-T. GRCh37 (hg19) VCF-style: chr7-136699769-C-T.
Other names: c.157C>T, p.His53Tyr (NM_000739.3, NM_001006626.3, NM_001006627.3 and 6 more transcripts); short protein forms H53Y.
Identifiers: ClinVar variation 3668005 (VCV003668005.2).